The following is an entry in ClinVar:

ClinVar aggregate classification (germline): Uncertain significance. Review status: criteria provided, multiple submitters, no conflicts (2 of 4 stars). 2 submissions from 2 submitters: Uncertain significance (2). Last evaluated 2022-08-23.

Conditions:
Microcephaly, epilepsy, and diabetes syndrome. Identifiers: Orphanet 306558, MedGen C3280240, MONDO:0100328.

Allele frequency attached by ClinVar (database versions not stated): gnomAD exomes 0.00001 and 0.00004; ExAC 0.00003; gnomAD 0.00011; TOPMed 0.00013; 1000 Genomes Project 30x 0.00031; 1000 Genomes Project 0.00040.
gnomAD v4.1: 34 of 1,571,462 alleles (0.0022%); highest among the groups gnomAD compares: Admixed American, 0.042%; no homozygotes.

Submissions (2):

Labcorp Genetics (formerly Invitae), Labcorp
Classification: Uncertain significance for Microcephaly, epilepsy, and diabetes syndrome. Last evaluated: 2022-08-23. Review status: criteria provided, single submitter. Criteria: Invitae Variant Classification Sherloc (09022015). Collection method: clinical testing. Allele origin: germline.
Comment: This sequence change replaces isoleucine, which is neutral and non-polar, with valine, which is neutral and non-polar, at codon 75 of the IER3IP1 protein (p.Ile75Val). This variant is present in population databases (rs536988795, gnomAD 0.02%). This variant has not been reported in the literature in individuals affected with IER3IP1-related conditions. ClinVar contains an entry for this variant (Variation ID: 472569). Algorithms developed to predict the effect of missense changes on protein structure and function are either unavailable or do not agree on the potential impact of this missense change (SIFT: "Tolerated"; PolyPhen-2: "Probably Damaging"; Align-GVGD: "Class C0"). Algorithms developed to predict the effect of sequence changes on RNA splicing suggest that this variant may create or strengthen a splice site. In summary, the available evidence is currently insufficient to determine the role of this variant in disease. Therefore, it has been classified as a Variant of Uncertain Significance.

New York Genome Center
Classification: Uncertain significance for Microcephaly, epilepsy, and diabetes syndrome 1. Last evaluated: 2020-09-09. Review status: criteria provided, single submitter. Criteria: NYGC Assertion Criteria 2020. Collection method: clinical testing. Allele origin: inherited. Observed: 1 heterozygote. Study: CSER-NYCKidSeq.

NM_016097.5(IER3IP1):c.223A>G (p.Ile75Val)

Gene: IER3IP1 (immediate early response 3 interacting protein 1; minus strand). Cytogenetic location: 18q21.1.
Variant type: single nucleotide variant.
Coding change: c.223A>G on transcript NM_016097.5 (MANE Select); coding-DNA position 223, A replaced by G.
Protein change: p.Ile75Val; replaces isoleucine 75 with valine.
Molecular consequence: missense variant.
Genome position (GRCh38, 1-based): chr18:47,156,203, T>C on the plus strand (A>G on the coding strand, the complement: IER3IP1 is on the minus strand). VCF-style: chr18-47156203-T-C. GRCh37 (hg19) VCF-style: chr18-44682574-T-C.
Other names: short protein forms I75V.
Identifiers: ClinVar variation 472569 (VCV000472569.8), dbSNP rs536988795, ClinGen allele CA8955685.